The following is an entry in ClinVar:

ClinVar aggregate classification (germline): Uncertain significance. Review status: criteria provided, multiple submitters, no conflicts (2 of 4 stars). 2 submissions from 2 submitters: Uncertain significance (2). Last evaluated 2025-06-23.

Conditions:
Inborn genetic diseases. Identifiers: MedGen C0950123, MeSH D030342.

gnomAD v4.1: 1 of 1,186,844 alleles (0.000084%); no homozygotes.

Submissions (2):

Labcorp Genetics (formerly Invitae), Labcorp
Classification: Uncertain significance. Last evaluated: 2025-06-23. Review status: criteria provided, single submitter. Criteria: Invitae Variant Classification Sherloc (09022015). Collection method: clinical testing. Allele origin: germline.
Comment: This sequence change replaces glutamic acid, which is acidic and polar, with valine, which is neutral and non-polar, at codon 241 of the KCNC3 protein (p.Glu241Val). This variant is not present in population databases (gnomAD no frequency). This variant has not been reported in the literature in individuals affected with KCNC3-related conditions. ClinVar contains an entry for this variant (Variation ID: 3862666). Invitae Evidence Modeling of protein sequence and biophysical properties (such as structural, functional, and spatial information, amino acid conservation, physicochemical variation, residue mobility, and thermodynamic stability) indicates that this missense variant is not expected to disrupt KCNC3 protein function with a negative predictive value of 95%. In summary, the available evidence is currently insufficient to determine the role of this variant in disease. Therefore, it has been classified as a Variant of Uncertain Significance.

Ambry Genetics
Classification: Uncertain significance for Inborn genetic diseases. Last evaluated: 2025-01-24. Review status: criteria provided, single submitter. Criteria: Ambry Variant Classification Scheme 2023. Collection method: clinical testing. Allele origin: germline.

NM_004977.3(KCNC3):c.722A>T (p.Glu241Val)

Gene: KCNC3 (potassium voltage-gated channel subfamily C member 3; minus strand). Cytogenetic location: 19q13.33.
Variant type: single nucleotide variant.
Coding change: c.722A>T on transcript NM_004977.3 (MANE Select); coding-DNA position 722, A replaced by T.
Protein change: p.Glu241Val; replaces glutamic acid 241 with valine.
Molecular consequence: missense variant.
Genome position (GRCh38, 1-based): chr19:50,328,361, T>A on the plus strand (A>T on the coding strand, the complement: KCNC3 is on the minus strand). VCF-style: chr19-50328361-T-A. GRCh37 (hg19) VCF-style: chr19-50831618-T-A.
Other names: c.494A>T, p.Glu165Val (NM_001372305.1); short protein forms E165V, E241V.
Identifiers: ClinVar variation 3862666 (VCV003862666.2).